The following is an entry in ClinVar:

NM_001319.7(CSNK1G2):c.1023C>G (p.Val341=)

Gene: CSNK1G2 (casein kinase 1 gamma 2; plus strand). Cytogenetic location: 19p13.3.
Variant type: single nucleotide variant.
Coding change: c.1023C>G on transcript NM_001319.7 (MANE Select); coding-DNA position 1023, C replaced by G.
Protein change: p.Val341=; no amino-acid change (valine 341 retained).
Molecular consequence: synonymous variant.
Genome position (GRCh38, 1-based): chr19:1,979,772, C>G. VCF-style: chr19-1979772-C-G. GRCh37 (hg19) VCF-style: chr19-1979771-C-G.
Identifiers: ClinVar variation 3770589 (VCV003770589.13).

ClinVar aggregate classification (germline): Likely benign (1 of 4 stars; one submission).

gnomAD v4.1: 2,665 of 1,606,904 alleles (0.17%); highest among the groups gnomAD compares: Non-Finnish European, 0.19%; 7 homozygotes.

Submission:

CeGaT Center for Human Genetics Tuebingen
Classification: Likely benign. Last evaluated: 2025-01-01. Review status: criteria provided, single submitter. Criteria: CeGaT Center For Human Genetics Tuebingen Variant Classification Criteria Version 2. Collection method: clinical testing. Allele origin: germline. Affected: yes. Observed: 1 variant allele.
Comment: CSNK1G2: BP4, BP7